The following is an entry in ClinVar:

ClinVar aggregate classification (germline): Uncertain significance (1 of 4 stars; one submission).

Conditions:
Inborn genetic diseases. Identifiers: MedGen C0950123, MeSH D030342.

Allele frequency attached by ClinVar (database versions not stated): ExAC 0.00001.
gnomAD v4.1: 1 of 1,614,090 alleles (0.000062%); highest among the groups gnomAD compares: Admixed American, 0.0017%; no homozygotes.

Submission:

Ambry Genetics
Classification: Uncertain significance for Inborn genetic diseases. Last evaluated: 2024-01-06. Review status: criteria provided, single submitter. Criteria: Ambry Variant Classification Scheme 2023. Collection method: clinical testing. Allele origin: germline.
Comment: The p.T709I variant (also known as c.2126C>T), located in coding exon 22 of the ERCC2 gene, results from a C to T substitution at nucleotide position 2126. The threonine at codon 709 is replaced by isoleucine, an amino acid with similar properties. This amino acid position is conserved. In addition, this alteration is predicted to be deleterious by in silico analysis. Since supporting evidence is limited at this time, the clinical significance of this alteration remains unclear.

NM_000400.4(ERCC2):c.2126C>T (p.Thr709Ile)

Gene: ERCC2 (ERCC excision repair 2, TFIIH core complex helicase subunit; minus strand). Cytogenetic location: 19q13.32.
Variant type: single nucleotide variant.
Coding change: c.2126C>T on transcript NM_000400.4 (MANE Select); coding-DNA position 2126, C replaced by T.
Protein change: p.Thr709Ile; replaces threonine 709 with isoleucine.
Molecular consequence: missense variant.
Genome position (GRCh38, 1-based): chr19:45,352,273, G>A on the plus strand (C>T on the coding strand, the complement: ERCC2 is on the minus strand). VCF-style: chr19-45352273-G-A. GRCh37 (hg19) VCF-style: chr19-45855531-G-A.
Other names: short protein forms T709I.
Identifiers: ClinVar variation 3231674 (VCV003231674.1), dbSNP rs750996893, ClinGen allele CA9512878.